The following is an entry in ClinVar:

NM_006431.3(CCT2):c.842G>A (p.Arg281His)

Gene: CCT2 (chaperonin containing TCP1 subunit 2; plus strand). Cytogenetic location: 12q15.
Variant type: single nucleotide variant.
Coding change: c.842G>A on transcript NM_006431.3 (MANE Select); coding-DNA position 842, G replaced by A.
Protein change: p.Arg281His; replaces arginine 281 with histidine.
Molecular consequence: missense variant.
Genome position (GRCh38, 1-based): chr12:69,593,067, G>A. VCF-style: chr12-69593067-G-A. GRCh37 (hg19) VCF-style: chr12-69986847-G-A.
Other names: c.701G>A, p.Arg234His (NM_001198842.2); c.842G>A (NM_006431.2); short protein forms R234H, R281H.
Identifiers: ClinVar variation 2072983 (VCV002072983.6), dbSNP rs1396967425, ClinGen allele CA385728574.

ClinVar aggregate classification (germline): Uncertain significance. Review status: criteria provided, multiple submitters, no conflicts (2 of 4 stars). 3 submissions from 3 submitters: Uncertain significance (2). 1 of the submissions does not count toward it. Last evaluated 2024-03-16.

Conditions:
Retinal dystrophy. Also called: Inherited retinal dystrophy. Identifiers: Orphanet 71862, MedGen C0854723, MeSH D058499, MONDO:0019118, HP:0000556.

Allele frequency attached by ClinVar (database versions not stated): TOPMed 0.00002; gnomAD 0.00002.
gnomAD v4.1: 17 of 1,613,118 alleles (0.0011%); highest among the groups gnomAD compares: African/African-American, 0.0013%; no homozygotes.

Submissions (3):

Labcorp Genetics (formerly Invitae), Labcorp
Classification: Uncertain significance. Last evaluated: 2024-03-16. Review status: criteria provided, single submitter. Criteria: Invitae Variant Classification Sherloc (09022015). Collection method: clinical testing. Allele origin: germline.
Comment: This sequence change replaces arginine, which is basic and polar, with histidine, which is basic and polar, at codon 281 of the CCT2 protein (p.Arg281His). This variant is present in population databases (no rsID available, gnomAD 0.004%). This variant has not been reported in the literature in individuals affected with CCT2-related conditions. ClinVar contains an entry for this variant (Variation ID: 2072983). An algorithm developed to predict the effect of missense changes on protein structure and function (PolyPhen-2) suggests that this variant is likely to be tolerated. In summary, the available evidence is currently insufficient to determine the role of this variant in disease. Therefore, it has been classified as a Variant of Uncertain Significance.

Ambry Genetics
Classification: Uncertain significance. Last evaluated: 2024-01-29. Review status: criteria provided, single submitter. Criteria: Ambry Variant Classification Scheme 2023. Collection method: clinical testing. Allele origin: germline.

Institute of Human Genetics, Univ. Regensburg, Univ. Regensburg
Classification: Uncertain significance for Retinal dystrophy. Last evaluated: 2022-01-01. Review status: no assertion criteria provided. Criteria: ACMG Guidelines, 2015. Collection method: clinical testing. Allele origin: germline. Affected: yes. Not counted in ClinVar's aggregate classification.